The following is an entry in ClinVar:

ClinVar aggregate classification (germline): Uncertain significance (1 of 4 stars; one submission).

Submission:

GeneDx
Classification: Uncertain significance. Last evaluated: 2025-08-05. Review status: criteria provided, single submitter. Criteria: GeneDx Variant Classification Process June 2021. Collection method: clinical testing. Allele origin: germline. Affected: yes.
Comment: Not observed at significant frequency in large population cohorts (gnomAD); In silico analysis supports that this missense variant has a deleterious effect on protein structure/function; Has not been previously published as pathogenic or benign to our knowledge

NM_001458.5(FLNC):c.828G>T (p.Lys276Asn)

Gene: FLNC (filamin C; plus strand). Cytogenetic location: 7q32.1.
Variant type: single nucleotide variant.
Coding change: c.828G>T on transcript NM_001458.5 (MANE Select); coding-DNA position 828, G replaced by T.
Protein change: p.Lys276Asn; replaces lysine 276 with asparagine.
Molecular consequence: missense variant.
Genome position (GRCh38, 1-based): chr7:128,837,526, G>T. VCF-style: chr7-128837526-G-T. GRCh37 (hg19) VCF-style: chr7-128477580-G-T.
Other names: c.828G>T, p.Lys276Asn (NM_001127487.2); short protein forms K276N.
Identifiers: ClinVar variation 4755996 (VCV004755996.1).